The following is an entry in ClinVar:

ClinVar aggregate classification (germline): Uncertain significance. Review status: criteria provided, multiple submitters, no conflicts (2 of 4 stars). 2 submissions from 2 submitters: Uncertain significance (2). Last evaluated 2020-05-08.

Submissions (2):

Labcorp Genetics (formerly Invitae), Labcorp
Classification: Uncertain significance. Last evaluated: 2020-05-08. Review status: criteria provided, single submitter. Criteria: Invitae Variant Classification Sherloc (09022015). Collection method: clinical testing. Allele origin: germline.
Comment: In summary, the available evidence is currently insufficient to determine the role of this variant in disease. Therefore, it has been classified as a Variant of Uncertain Significance. Algorithms developed to predict the effect of sequence changes on RNA splicing suggest that this variant may disrupt the consensus splice site, but this prediction has not been confirmed by published transcriptional studies. This variant has been observed in individual(s) with Alport syndrome (Invitae). This variant is not present in population databases (ExAC no frequency). This sequence change falls in intron 24 of the COL4A4 gene. It does not directly change the encoded amino acid sequence of the COL4A4 protein.

GeneDx
Classification: Uncertain significance. Last evaluated: 2019-07-08. Review status: criteria provided, single submitter. Criteria: GeneDx Variant Classification Process June 2021. Collection method: clinical testing. Allele origin: germline. Affected: yes.
Comment: Not observed in large population cohorts (Lek et al., 2016); In-silico analysis, which includes splice predictors and evolutionary conservation, is inconclusive as to whether the variant alters gene splicing. In the absence of RNA/functional studies, the actual effect of this sequence change is unknown.; Has not been previously published as pathogenic or benign to our knowledge

NM_000092.5(COL4A4):c.1804-7T>G

Gene: COL4A4 (collagen type IV alpha 4 chain; minus strand). Cytogenetic location: 2q36.3.
Variant type: single nucleotide variant.
Coding change: c.1804-7T>G on transcript NM_000092.5 (MANE Select); 7 bases into the intron before coding-DNA position 1804, T replaced by G.
Molecular consequence: intron variant.
Genome position (GRCh38, 1-based): chr2:227,078,084, A>C on the plus strand (T>G on the coding strand, the complement: COL4A4 is on the minus strand). VCF-style: chr2-227078084-A-C. GRCh37 (hg19) VCF-style: chr2-227942800-A-C.
Identifiers: ClinVar variation 1060828 (VCV001060828.11), dbSNP rs2150477819, ClinGen allele CA2499215699.